The following is an entry in ClinVar:

NM_002206.3(ITGA7):c.882G>A (p.Val294=)

Gene: ITGA7 (integrin subunit alpha 7; minus strand). Cytogenetic location: 12q13.2.
Variant type: single nucleotide variant.
Coding change: c.882G>A on transcript NM_002206.3 (MANE Select); coding-DNA position 882, G replaced by A.
Protein change: p.Val294=; no amino-acid change (valine 294 retained).
Molecular consequence: synonymous variant. On other transcripts: 5 prime UTR variant (1).
Genome position (GRCh38, 1-based): chr12:55,698,826, C>T on the plus strand (G>A on the coding strand, the complement: ITGA7 is on the minus strand). VCF-style: chr12-55698826-C-T. GRCh37 (hg19) VCF-style: chr12-56092610-C-T.
Other names: p.Val294=; c.894G>A, p.Val298= (NM_001144996.2, NM_001414029.1, NM_001414030.1); c.603G>A, p.Val201= (NM_001144997.2); c.555G>A, p.Val185= (NM_001367993.1); c.-411G>A (NM_001367994.1); c.882G>A, p.Val294= (NM_001374465.1, NM_001414031.1, NM_001414034.1); c.1014G>A, p.Val338= (NM_001410977.1); c.762G>A, p.Val254= (NM_001414032.1); and 2 more.
Identifiers: ClinVar variation 258589 (VCV000258589.52), dbSNP rs148190047, ClinGen allele CA6616124.

ClinVar aggregate classification (germline): Benign/Likely benign. Review status: criteria provided, multiple submitters, no conflicts (2 of 4 stars). 9 submissions from 9 submitters: Benign (1); Likely benign (8). Last evaluated 2026-01-27.

Conditions:
Congenital muscular dystrophy due to integrin alpha-7 deficiency. Also called: Congenital muscular dystrophy with integrin alpha-7 deficiency; Muscular dystrophy, congenital, due to ITGA7 deficiency; MYOPATHY, CONGENITAL, DUE TO INTEGRIN ALPHA-7 DEFICIENCY. Identifiers: Orphanet 34520, MedGen C2750786, MONDO:0013177, OMIM 613204.

Allele frequency attached by ClinVar (database versions not stated): 1000 Genomes Project 0.00060; 1000 Genomes Project 30x 0.00078; gnomAD exomes 0.00138 and 0.00238; ExAC 0.00155; TOPMed 0.00192; ESP Exome Variant Server 0.00208; gnomAD 0.00223.
gnomAD v4.1: 3,695 of 1,614,054 alleles (0.23%); highest among the groups gnomAD compares: Non-Finnish European, 0.29%; 5 homozygotes.

Submissions (9):

Labcorp Genetics (formerly Invitae), Labcorp
Classification: Benign for Congenital muscular dystrophy due to integrin alpha-7 deficiency. Last evaluated: 2026-01-27. Review status: criteria provided, single submitter. Criteria: Invitae Variant Classification Sherloc (09022015). Collection method: clinical testing. Allele origin: germline.

CeGaT Center for Human Genetics Tuebingen
Classification: Likely benign. Last evaluated: 2025-06-01. Review status: criteria provided, single submitter. Criteria: CeGaT Center For Human Genetics Tuebingen Variant Classification Criteria Version 2. Collection method: clinical testing. Allele origin: germline. Affected: yes. Observed: 3 variant alleles.
Comment: ITGA7: BP4, BP7

Mayo Clinic Laboratories, Mayo Clinic
Classification: Likely benign. Last evaluated: 2025-04-15. Review status: criteria provided, single submitter. Criteria: ACMG Guidelines, 2015. Collection method: clinical testing. Allele origin: germline. Observed: 1 variant allele.
Comment: BS1, BP4, BP7

Blueprint Genetics
Classification: Likely benign. Last evaluated: 2024-11-11. Review status: criteria provided, single submitter. Criteria: ACMG Guidelines, 2015. Collection method: clinical testing. Allele origin: germline.

GeneDx
Classification: Likely benign. Last evaluated: 2018-12-31. Review status: criteria provided, single submitter. Criteria: GeneDx Variant Classification Process June 2021. Collection method: clinical testing. Allele origin: germline. Affected: yes.

Genetic Services Laboratory, University of Chicago
Classification: Likely benign. Last evaluated: 2017-02-02. Review status: criteria provided, single submitter. Criteria: ACMG Guidelines, 2015. Collection method: clinical testing. Allele origin: germline. Affected: no.

Eurofins Ntd Llc (ga)
Classification: Likely benign. Last evaluated: 2016-03-30. Review status: criteria provided, single submitter. Criteria: EGL Classification Definitions 2015. Collection method: clinical testing. Allele origin: germline. Observed: 3 variant alleles, 3 heterozygotes.

Breakthrough Genomics
Classification: Likely benign. Review status: criteria provided, single submitter. Criteria: ACMG Guidelines, 2015. Collection method: not provided. Allele origin: germline. Inheritance: Autosomal recessive inheritance. Affected: yes.

PreventionGenetics, part of Exact Sciences
Classification: Likely benign. Review status: criteria provided, single submitter. Criteria: ACMG Guidelines, 2015. Collection method: clinical testing. Allele origin: germline.